The following is an entry in ClinVar:

ClinVar aggregate classification (germline): Uncertain significance (1 of 4 stars; one submission).

Submission:

CeGaT Center for Human Genetics Tuebingen
Classification: Uncertain significance. Last evaluated: 2026-07-01. Review status: criteria provided, single submitter. Criteria: CeGaT Center For Human Genetics Tuebingen Variant Classification Criteria Version 2. Collection method: clinical testing. Allele origin: germline. Affected: yes. Observed: 1 variant allele.
Comment: GABRA3: PM2, PP2

NM_000808.4(GABRA3):c.101G>A (p.Arg34Gln)

Gene: GABRA3 (gamma-aminobutyric acid type A receptor subunit alpha3; minus strand). Cytogenetic location: Xq28.
Variant type: single nucleotide variant.
Coding change: c.101G>A on transcript NM_000808.4 (MANE Select); coding-DNA position 101, G replaced by A.
Protein change: p.Arg34Gln; replaces arginine 34 with glutamine.
Molecular consequence: missense variant.
Genome position (GRCh38, 1-based): chrX:152,364,470, C>T on the plus strand (G>A on the coding strand, the complement: GABRA3 is on the minus strand). VCF-style: chrX-152364470-C-T. GRCh37 (hg19) VCF-style: chrX-151532942-C-T.
Other names: short protein forms R34Q.
Identifiers: ClinVar variation 5040285 (VCV005040285.1).
Genomic context (GRCh38, chrX:152,364,470, plus strand): 5'-CTAAGAGTTAGGGGTTCTTACCCGCCAATGTCCTGCTTCACAAAGTCCCCGGGTTCTTGT[C>T]GTCTTGATTCCCCTTGACCAGTGGTTCCAGGGAGAATATTAATCAGGAAAAGAATCCCAA-3'
Protein context (NP_000799.1, residues 24-44): PGTTGQGESR[Arg34Gln]QEPGDFVKQD